The following is an entry in ClinVar:

ClinVar aggregate classification (germline): Benign. Review status: criteria provided, single submitter (1 of 4 stars). 2 submissions from 2 submitters: Benign (1). 1 of the submissions does not count toward it. Last evaluated 2026-01-26.

Conditions:
NUP93-related disorder. Also called: NUP93-related condition.

Allele frequency attached by ClinVar (database versions not stated): ESP Exome Variant Server 0.00139; 1000 Genomes Project 0.00180; 1000 Genomes Project 30x 0.00203.
gnomAD v4.1: 419 of 1,614,144 alleles (0.026%); highest among the groups gnomAD compares: African/African-American, 0.47%; 1 homozygote.

Submissions (2):

Labcorp Genetics (formerly Invitae), Labcorp
Classification: Benign. Last evaluated: 2026-01-26. Review status: criteria provided, single submitter. Criteria: Invitae Variant Classification Sherloc (09022015). Collection method: clinical testing. Allele origin: germline.

PreventionGenetics, part of Exact Sciences
Classification: Likely benign for NUP93-related condition. Last evaluated: 2021-11-19. Review status: no assertion criteria provided. Collection method: clinical testing. Allele origin: germline. Not counted in ClinVar's aggregate classification.
Comment: This variant is classified as likely benign based on ACMG/AMP sequence variant interpretation guidelines (Richards et al. 2015 PMID: 25741868, with internal and published modifications).

NM_014669.5(NUP93):c.696C>T (p.Asp232=)

Gene: NUP93 (nucleoporin 93; plus strand). Cytogenetic location: 16q13.
Variant type: single nucleotide variant.
Coding change: c.696C>T on transcript NM_014669.5 (MANE Select); coding-DNA position 696, C replaced by T.
Protein change: p.Asp232=; no amino-acid change (aspartic acid 232 retained).
Molecular consequence: synonymous variant.
Genome position (GRCh38, 1-based): chr16:56,823,748, C>T. VCF-style: chr16-56823748-C-T. GRCh37 (hg19) VCF-style: chr16-56857660-C-T.
Other names: c.327C>T, p.Asp109= (NM_001242795.2, NM_001242796.2); c.696C>T (NM_014669.4).
Identifiers: ClinVar variation 2047603 (VCV002047603.6), dbSNP rs60510831, ClinGen allele CA8068194.